The following is an entry in ClinVar:

ClinVar aggregate classification (germline): Conflicting classifications of pathogenicity. Review status: criteria provided, conflicting classifications (1 of 4 stars). 15 submissions from 15 submitters: Uncertain significance (14); Likely benign (1). Last evaluated 2026-02-03.

Conditions:
PMS2-related disorder. Also called: PMS2-related condition.
Hereditary nonpolyposis colorectal neoplasms. Identifiers: MedGen C0009405, MeSH D003123.
Lynch syndrome 4 (LYNCH4). Also called: Colorectal cancer, hereditary nonpolyposis, type 4; Hereditary non-polyposis colorectal cancer, type 4. Identifiers: Orphanet 144, MedGen C1838333, MONDO:0013699, OMIM 614337. Disease mechanism: loss of function.
Mismatch repair cancer syndrome 4. Identifiers: MedGen C5436817, MONDO:0030843, OMIM 619101.
Breast and/or ovarian cancer. Identifiers: MedGen CN221562.
Hereditary cancer-predisposing syndrome. Also called: Neoplastic Syndromes, Hereditary; Tumor predisposition; Hereditary neoplastic syndrome; Hereditary Cancer Syndrome. Identifiers: Orphanet 140162, MedGen C0027672, MeSH D009386, MONDO:0015356.
Lynch syndrome. Identifiers: Orphanet 144, MedGen C4552100, MONDO:0005835. Disease mechanism: loss of function.

Allele frequency attached by ClinVar (database versions not stated): gnomAD exomes 0.00001 and 0.00002; TOPMed 0.00002; ExAC 0.00003; ESP Exome Variant Server 0.00014; 1000 Genomes Project 30x 0.00016.
gnomAD v4.1: 28 of 1,610,778 alleles (0.0017%); highest among the groups gnomAD compares: Admixed American, 0.017%; no homozygotes.

Submissions (15):

Labcorp Genetics (formerly Invitae), Labcorp
Classification: Likely benign for Hereditary nonpolyposis colorectal neoplasms. Last evaluated: 2026-02-03. Review status: criteria provided, single submitter. Criteria: Invitae Variant Classification Sherloc (09022015). Collection method: clinical testing. Allele origin: germline.

PreventionGenetics, part of Exact Sciences
Classification: Uncertain significance for PMS2-related condition. Last evaluated: 2025-12-03. Review status: criteria provided, single submitter. Criteria: ACMG Guidelines, 2015. Collection method: clinical testing. Allele origin: germline.
Comment: The PMS2 c.113C>T variant is predicted to result in the amino acid substitution p.Ala38Val. This variant has been reported in a papillary thyroid tumor tissue sample and classified as a variant of uncertain significance (Table 2, Mio et al. 2021. PubMed ID: 33821390). This variant was also reported as a germline variant of uncertain significance in a large study of biliary tract cancers (Supplementary Table 2, Okawa et al. 2022. PubMed ID: 36243179) and in two individuals with breast cancer (Table 4, Abdel-Razeq et al. 2022. PubMed ID: 35402282). This variant is reported in 0.0087% of alleles in individuals of Latino descent in gnomAD and is interpreted as uncertain in ClinVar (Variation ID: 187605). At this time, the clinical significance of this variant is uncertain due to the absence of conclusive functional and genetic evidence.

Ambry Genetics
Classification: Uncertain significance for Hereditary cancer-predisposing syndrome. Last evaluated: 2025-11-07. Review status: criteria provided, single submitter. Criteria: Ambry Variant Classification Scheme 2023. Collection method: clinical testing. Allele origin: germline.
Comment: The p.A38V variant (also known as c.113C>T), located in coding exon 2 of the PMS2 gene, results from a C to T substitution at nucleotide position 113. The alanine at codon 38 is replaced by valine, an amino acid with similar properties. This amino acid position is highly conserved in available vertebrate species. In addition, this alteration is predicted to be deleterious by in silico analysis. Based on the available evidence, the clinical significance of this variant remains unclear.

KCCC/NGS Laboratory, Kuwait Cancer Control Center
Classification: Uncertain significance for Lynch syndrome 4. Last evaluated: 2025-07-07. Review status: criteria provided, single submitter. Criteria: ACMG Guidelines, 2015. Collection method: clinical testing. Allele origin: germline. Inheritance: Autosomal dominant inheritance. Affected: yes.
Comment: The available evidence is insufficient to determine the role of this variant in disease conclusively. Therefore, this variant is classified as a Variant of Uncertain Significance.

Women's Health and Genetics/Laboratory Corporation of America, LabCorp
Classification: Uncertain significance. Last evaluated: 2025-07-03. Review status: criteria provided, single submitter. Criteria: LabCorp Variant Classification Summary - May 2015. Collection method: clinical testing. Allele origin: germline.
Comment: Variant summary: PMS2 c.113C>T (p.Ala38Val) results in a non-conservative amino acid change in the encoded protein sequence. Algorithms developed to predict the effect of missense changes on protein structure and function all suggest that this variant is likely to be disruptive. The variant allele was found at a frequency of 2e-05 in 245784 control chromosomes (gnomAD). The available data on variant occurrences in the general population are insufficient to allow any conclusion about variant significance. c.113C>T has been observed in individuals affected with colorectal or pancreatic cancer (e.g., Adar_2018, Eid_2025). These reports do not provide unequivocal conclusions about association of the variant with Lynch Syndrome. To our knowledge, no experimental evidence demonstrating an impact on protein function has been reported. The following publications have been ascertained in the context of this evaluation (PMID: 29750335, 38773787). ClinVar contains an entry for this variant (Variation ID: 187605). Based on the evidence outlined above, the variant was classified as uncertain significance.

GeneDx
Classification: Uncertain significance. Last evaluated: 2025-04-30. Review status: criteria provided, single submitter. Criteria: GeneDx Variant Classification Process June 2021. Collection method: clinical testing. Allele origin: germline. Affected: yes.
Comment: In silico analysis supports that this missense variant has a deleterious effect on protein structure/function; Observed in individuals with breast cancer, glioma, papillary thyroid cancer, pituitary adenoma, and pancreatic cancer (PMID: 26689913, 31486992, 33821390, 35402282, 38773787); This variant is associated with the following publications: (PMID: 26689913, 31486992, 33821390, 35402282, 36243179, 11574484, 38773787)

Quest Diagnostics Nichols Institute San Juan Capistrano
Classification: Uncertain significance. Last evaluated: 2024-11-22. Review status: criteria provided, single submitter. Criteria: Quest Diagnostics criteria. Collection method: clinical testing. Allele origin: unknown.
Comment: The PMS2 c.113C>T (p.Ala38Val) variant has been reported in the published literature in individuals with thyroid (PMID: 33821390 (2021)), pancreatic (PMID: 38773787 (2024)), breast cancer (PMID: 35402282 (2022)), and in a group of reportedly healthy individuals (PMID: 36243179 (2022)). It has also been reported in a family with hyperparathyroidism who also carried other genetic variants (PMID: 31486992 (2020)). In a large scale breast cancer association study, this variant has been observed in three breast cancer cases and two reportedly healthy individuals (PMID: 33471991 (2021), see also LOVD). The frequency of this variant in the general population, 0.000087 (3/34478 chromosomes (Genome Aggregation Database)), is uninformative in the assessment of its pathogenicity. Analysis of this variant using bioinformatics tools for the prediction of the effect of amino acid changes on protein structure and function yielded predictions that this variant is damaging. Based on the available information, we are unable to determine the clinical significance of this variant.

Blueprint Genetics
Classification: Uncertain significance. Last evaluated: 2024-10-10. Review status: criteria provided, single submitter. Criteria: ACMG Guidelines, 2015. Collection method: clinical testing. Allele origin: germline.

All of Us Research Program, National Institutes of Health
Classification: Uncertain significance for Lynch syndrome. Last evaluated: 2023-12-18. Review status: criteria provided, single submitter. Criteria: ACMG Guidelines, 2015. Collection method: clinical testing. Allele origin: germline. Inheritance: Autosomal dominant inheritance. Observed: 5 variant alleles, 5 heterozygotes.
Comment: This missense variant replaces alanine with valine at codon 38 of the PMS2 protein. Computational prediction is inconclusive regarding the impact of this variant on protein structure and function (internally defined REVEL score threshold 0.5 < inconclusive < 0.7, PMID: 27666373). To our knowledge, functional studies have not been reported for this variant. This variant has been reported in individuals affected with low grade glioma, breast or thyroid cancers (PMID: 26689913, 33821390, 35402282) as well as unaffected individuals (PMID: 36243179). This variant has been identified in 5/245784 chromosomes in the general population by the Genome Aggregation Database (gnomAD). The available evidence is insufficient to determine the role of this variant in disease conclusively. Therefore, this variant is classified as a Variant of Uncertain Significance.

This study involves interpretation of variants in research participants for the purpose of population health screening. Participant phenotype was not available at the time of variant classification. Additional details can be found in publication PMID: 35346344, PMCID: PMC8962531

Color Diagnostics, LLC DBA Color Health
Classification: Uncertain significance for Hereditary cancer-predisposing syndrome. Last evaluated: 2023-11-30. Review status: criteria provided, single submitter. Criteria: ACMG Guidelines, 2015. Collection method: clinical testing. Allele origin: germline.
Comment: This missense variant replaces alanine with valine at codon 38 of the PMS2 protein. Computational prediction is inconclusive regarding the impact of this variant on protein structure and function (internally defined REVEL score threshold 0.5 < inconclusive < 0.7, PMID: 27666373). To our knowledge, functional studies have not been reported for this variant. This variant has been reported in individuals affected with low grade glioma, breast or thyroid cancers (PMID: 26689913, 33821390, 35402282) as well as unaffected individuals (PMID: 36243179). This variant has been identified in 5/245784 chromosomes in the general population by the Genome Aggregation Database (gnomAD). The available evidence is insufficient to determine the role of this variant in disease conclusively. Therefore, this variant is classified as a Variant of Uncertain Significance.

Baylor Genetics
Classification: Uncertain significance for Lynch syndrome 4. Last evaluated: 2023-10-11. Review status: criteria provided, single submitter. Criteria: ACMG Guidelines, 2015. Collection method: clinical testing. Allele origin: unknown.

CHEO Genetics Diagnostic Laboratory, Children's Hospital of Eastern Ontario
Classification: Uncertain significance for Breast and/or ovarian cancer. Last evaluated: 2021-12-07. Review status: criteria provided, single submitter. Criteria: ACMG Guidelines, 2015. Collection method: clinical testing. Allele origin: germline.

Fulgent Genetics
Classification: Uncertain significance for Lynch syndrome 4; Mismatch repair cancer syndrome 4. Last evaluated: 2021-08-25. Review status: criteria provided, single submitter. Criteria: ACMG Guidelines, 2015. Collection method: clinical testing. Allele origin: unknown.

Department of Pathology and Laboratory Medicine, Sinai Health System
Classification: Uncertain significance for Lynch syndrome 4. Last evaluated: 2020-09-21. Review status: criteria provided, single submitter. Criteria: ACMG Guidelines, 2015. Collection method: clinical testing. Allele origin: germline. Affected: yes.

Mendelics
Classification: Uncertain significance for Lynch syndrome 4. Last evaluated: 2019-05-28. Review status: criteria provided, single submitter. Criteria: Mendelics Assertion Criteria 2017. Collection method: clinical testing. Allele origin: unknown.

Literature cited by the submitters: PubMed 29750335 (cited by Women's Health and Genetics/Laboratory Corporation of America, LabCorp); PubMed 38773787 (cited by Women's Health and Genetics/Laboratory Corporation of America, LabCorp and Quest Diagnostics Nichols Institute San Juan Capistrano); PubMed 35402282 (cited by 3 submitters); PubMed 33471991 (cited by Quest Diagnostics Nichols Institute San Juan Capistrano); PubMed 31486992 (cited by Quest Diagnostics Nichols Institute San Juan Capistrano); PubMed 36243179 (cited by 3 submitters); PubMed 26689913 (cited by 3 submitters); PubMed 33821390 (cited by 3 submitters).

NM_000535.7(PMS2):c.113C>T (p.Ala38Val)

Gene: PMS2 (PMS1 homolog 2, mismatch repair system component; minus strand). Cytogenetic location: 7p22.1.
Variant type: single nucleotide variant.
Coding change: c.113C>T on transcript NM_000535.7 (MANE Select); coding-DNA position 113, C replaced by T.
Protein change: p.Ala38Val; replaces alanine 38 with valine.
Molecular consequence: missense variant. On other transcripts: 5 prime UTR variant (8), non-coding transcript variant (1), intron variant (3).
Genome position (GRCh38, 1-based): chr7:6,005,942, G>A on the plus strand (C>T on the coding strand, the complement: PMS2 is on the minus strand). VCF-style: chr7-6005942-G-A. GRCh37 (hg19) VCF-style: chr7-6045573-G-A.
Other names: c.-293C>T (NM_001322003.2, NM_001322005.2, NM_001322009.2 and 1 more transcripts); c.113C>T, p.Ala38Val (NM_001322006.2, NM_001322014.2); c.-103C>T (NM_001322007.2); c.-772C>T (NM_001322011.2, NM_001322012.2); c.-372C>T (NM_001322015.2); c.-52-1884C>T (NM_001322008.2); c.-242-1884C>T (NM_001322010.2, NM_001322004.2); short protein forms A38V.
Identifiers: ClinVar variation 187605 (VCV000187605.41), dbSNP rs148270248, ClinGen allele CA009226.